The following is an entry in ClinVar:

NM_024675.4(PALB2):c.2960A>T (p.Gln987Leu)

Gene: PALB2 (partner and localizer of BRCA2; minus strand). Cytogenetic location: 16p12.2.
Variant type: single nucleotide variant.
Coding change: c.2960A>T on transcript NM_024675.4 (MANE Select); coding-DNA position 2960, A replaced by T.
Protein change: p.Gln987Leu; replaces glutamine 987 with leucine.
Molecular consequence: missense variant. On other transcripts: intron variant (1).
Genome position (GRCh38, 1-based): chr16:23,623,005, T>A on the plus strand (A>T on the coding strand, the complement: PALB2 is on the minus strand). VCF-style: chr16-23623005-T-A. GRCh37 (hg19) VCF-style: chr16-23634326-T-A.
Other names: c.2900A>T, p.Gln967Leu (NM_001407296.1); c.2888A>T, p.Gln963Leu (NM_001407297.1); c.2798A>T, p.Gln933Leu (NM_001407298.1, NM_001407302.1); c.2960A>T, p.Gln987Leu (NM_001407299.1, NM_001407301.1); c.2075A>T, p.Gln692Leu (NM_001407304.1, NM_001407305.1, NM_001407306.1 and 4 more transcripts); c.1913A>T, p.Gln638Leu (NM_001407307.1); c.1172A>T, p.Gln391Leu (NM_001407312.1, NM_001407313.1); c.494A>T, p.Gln165Leu (NM_001407314.1); and 1 more; short protein forms Q963L, Q165L, Q391L, Q933L, Q692L, Q987L, Q638L, Q967L.
Identifiers: ClinVar variation 4663826 (VCV004663826.1).

ClinVar aggregate classification (germline): Uncertain significance (1 of 4 stars; one submission).

Conditions:
Hereditary cancer-predisposing syndrome. Also called: Neoplastic Syndromes, Hereditary; Tumor predisposition; Hereditary Cancer Syndrome; Hereditary neoplastic syndrome. Identifiers: Orphanet 140162, MedGen C0027672, MeSH D009386, MONDO:0015356.

Submission:

Ambry Genetics
Classification: Uncertain significance for Hereditary cancer-predisposing syndrome. Last evaluated: 2025-10-16. Review status: criteria provided, single submitter. Criteria: Ambry Variant Classification Scheme 2023. Collection method: clinical testing. Allele origin: germline.
Comment: The p.Q987L variant (also known as c.2960A>T), located in coding exon 9 of the PALB2 gene, results from an A to T substitution at nucleotide position 2960. The glutamine at codon 987 is replaced by leucine, an amino acid with dissimilar properties. This amino acid position is conserved. In addition, this alteration is predicted to be tolerated by in silico analysis. Based on the available evidence, the clinical significance of this variant remains unclear.